The following is an entry in ClinVar:

ClinVar aggregate classification (germline): Uncertain significance. Review status: criteria provided, multiple submitters, no conflicts (2 of 4 stars). 6 submissions from 6 submitters: Uncertain significance (6). Last evaluated 2025-06-12.

Conditions:
Arrhythmogenic right ventricular dysplasia 2. Identifiers: MedGen C1832931.
Ventricular arrhythmias due to cardiac ryanodine receptor calcium release deficiency syndrome. Also called: Autosomal dominant cardiac arrhythmia (Kuhn). Identifiers: MedGen C5542154, MONDO:0020745, OMIM 115000.
Catecholaminergic polymorphic ventricular tachycardia 1. Also called: VENTRICULAR TACHYCARDIA, STRESS-INDUCED POLYMORPHIC 1; VENTRICULAR TACHYCARDIA, CATECHOLAMINERGIC POLYMORPHIC, 1, WITH OR WITHOUT ATRIAL DYSFUNCTION AND/OR DILATED CARDIOMYOPATHY; RYR2-Related Catecholaminergic Polymorphic Ventricular Tachycardia. Identifiers: Orphanet 3286, MedGen C1631597, MONDO:0011484, OMIM 604772.
Cardiomyopathy (CMYO). Also called: Cardiomyopathies. Identifiers: Orphanet 167848, MedGen C0878544, MONDO:0004994, HP:0001638. Inheritance: Various modes of inheritance.

Allele frequency attached by ClinVar (database versions not stated): ExAC 0.00001; gnomAD exomes 0.00001; TOPMed 0.00001.
gnomAD v4.1: 5 of 1,613,748 alleles (0.00031%); highest among the groups gnomAD compares: African/African-American, 0.0013%; no homozygotes.

Submissions (6):

Color Diagnostics, LLC DBA Color Health
Classification: Uncertain significance for Cardiomyopathy. Last evaluated: 2025-06-12. Review status: criteria provided, single submitter. Criteria: ACMG Guidelines, 2015. Collection method: clinical testing. Allele origin: germline.
Comment: This missense variant replaces glycine with aspartic acid at codon 2647 of the RYR2 protein. Computational prediction suggests that this variant may have a deleterious impact on protein structure and function. To our knowledge, functional studies have not been reported for this variant. This variant has not been reported in individuals affected with RYR2-related disorders in the literature. This variant has been identified in 2/249102 chromosomes in the general population by the Genome Aggregation Database (gnomAD). The available evidence is insufficient to determine the role of this variant in disease conclusively. Therefore, this variant is classified as a Variant of Uncertain Significance.

GeneDx
Classification: Uncertain significance. Last evaluated: 2025-06-06. Review status: criteria provided, single submitter. Criteria: GeneDx Variant Classification Process June 2021. Collection method: clinical testing. Allele origin: germline. Affected: yes.
Comment: Not observed at significant frequency in large population cohorts (gnomAD); In silico analysis supports that this missense variant has a deleterious effect on protein structure/function; Has not been previously published as pathogenic or benign to our knowledge; Not located in one of the three hot-spot regions of the RYR2 gene, where the majority of pathogenic missense variants occur (PMID: 19926015); This variant is associated with the following publications: (PMID: 19926015)

Labcorp Genetics (formerly Invitae), Labcorp
Classification: Uncertain significance for Catecholaminergic polymorphic ventricular tachycardia 1. Last evaluated: 2024-10-02. Review status: criteria provided, single submitter. Criteria: Invitae Variant Classification Sherloc (09022015). Collection method: clinical testing. Allele origin: germline.
Comment: This sequence change replaces glycine, which is neutral and non-polar, with aspartic acid, which is acidic and polar, at codon 2647 of the RYR2 protein (p.Gly2647Asp). This variant is present in population databases (rs776908944, gnomAD 0.007%). This variant has not been reported in the literature in individuals affected with RYR2-related conditions. ClinVar contains an entry for this variant (Variation ID: 1450831). Invitae Evidence Modeling of protein sequence and biophysical properties (such as structural, functional, and spatial information, amino acid conservation, physicochemical variation, residue mobility, and thermodynamic stability) indicates that this missense variant is expected to disrupt RYR2 protein function with a positive predictive value of 95%. In summary, the available evidence is currently insufficient to determine the role of this variant in disease. Therefore, it has been classified as a Variant of Uncertain Significance.

Women's Health and Genetics/Laboratory Corporation of America, LabCorp
Classification: Uncertain significance. Last evaluated: 2024-04-29. Review status: criteria provided, single submitter. Criteria: LabCorp Variant Classification Summary - May 2015. Collection method: clinical testing. Allele origin: germline.
Comment: Variant summary: RYR2 c.7940G>A (p.Gly2647Asp) results in a non-conservative amino acid change in the encoded protein sequence. Four of four in-silico tools predict a damaging effect of the variant on protein function. The variant allele was found at a frequency of 8e-06 in 249102 control chromosomes (gnomAD). The available data on variant occurrences in the general population are insufficient to allow any conclusion about variant significance. To our knowledge, no occurrence of c.7940G>A in individuals affected with Catecholaminergic Polymorphic Ventricular Tachycardia and no experimental evidence demonstrating its impact on protein function have been reported. ClinVar contains an entry for this variant (Variation ID: 1450831). Based on the evidence outlined above, the variant was classified as uncertain significance.

Fulgent Genetics
Classification: Uncertain significance for Ventricular arrhythmias due to cardiac ryanodine receptor calcium release deficiency syndrome; Catecholaminergic polymorphic ventricular tachycardia 1. Last evaluated: 2022-02-18. Review status: criteria provided, single submitter. Criteria: ACMG Guidelines, 2015. Collection method: clinical testing. Allele origin: unknown.

AiLife Diagnostics
Classification: Uncertain significance. Last evaluated: 2021-10-05. Review status: criteria provided, single submitter. Criteria: ACMG Guidelines, 2015. Collection method: clinical testing. Allele origin: germline. Affected: yes. Observed: 1 variant allele.

NM_001035.3(RYR2):c.7940G>A (p.Gly2647Asp)

Gene: RYR2 (ryanodine receptor 2; plus strand). Cytogenetic location: 1q43.
Variant type: single nucleotide variant.
Coding change: c.7940G>A on transcript NM_001035.3 (MANE Select); coding-DNA position 7940, G replaced by A.
Protein change: p.Gly2647Asp; replaces glycine 2647 with aspartic acid.
Molecular consequence: missense variant.
Genome position (GRCh38, 1-based): chr1:237,654,389, G>A. VCF-style: chr1-237654389-G-A. GRCh37 (hg19) VCF-style: chr1-237817689-G-A.
Other names: c.7940G>A (NM_001035.2); short protein forms G2647D.
Identifiers: ClinVar variation 1450831 (VCV001450831.11), dbSNP rs776908944, ClinGen allele CA087528.